The following is an entry in ClinVar:

NM_206933.4(USH2A):c.10924C>A (p.Gln3642Lys)

Gene: USH2A (usherin; minus strand). Cytogenetic location: 1q41.
Variant type: single nucleotide variant.
Coding change: c.10924C>A on transcript NM_206933.4 (MANE Select); coding-DNA position 10924, C replaced by A.
Protein change: p.Gln3642Lys; replaces glutamine 3642 with lysine.
Molecular consequence: missense variant.
Genome position (GRCh38, 1-based): chr1:215,779,858, G>T on the plus strand (C>A on the coding strand, the complement: USH2A is on the minus strand). VCF-style: chr1-215779858-G-T. GRCh37 (hg19) VCF-style: chr1-215953200-G-T.
Other names: short protein forms Q3642K.
Identifiers: ClinVar variation 1985096 (VCV001985096.1), dbSNP rs773462133, ClinGen allele CA344833097.

ClinVar aggregate classification (germline): Uncertain significance (1 of 4 stars; one submission).

Submission:

Labcorp Genetics (formerly Invitae), Labcorp
Classification: Uncertain significance. Last evaluated: 2022-03-25. Review status: criteria provided, single submitter. Criteria: Invitae Variant Classification Sherloc (09022015). Collection method: clinical testing. Allele origin: germline.
Comment: This sequence change replaces glutamine, which is neutral and polar, with lysine, which is basic and polar, at codon 3642 of the USH2A protein (p.Gln3642Lys). This variant is not present in population databases (gnomAD no frequency). This variant has not been reported in the literature in individuals affected with USH2A-related conditions. Algorithms developed to predict the effect of missense changes on protein structure and function (SIFT, PolyPhen-2, Align-GVGD) all suggest that this variant is likely to be tolerated. In summary, the available evidence is currently insufficient to determine the role of this variant in disease. Therefore, it has been classified as a Variant of Uncertain Significance.